The following is an entry in ClinVar:

ClinVar aggregate classification (germline): Pathogenic/Likely pathogenic. Review status: criteria provided, multiple submitters, no conflicts (2 of 4 stars). 6 submissions from 6 submitters: Pathogenic (3); Likely pathogenic (2). 1 of the submissions does not count toward it. Last evaluated 2026-01-30.

Conditions:
GLB1-related disorder. Also called: GLB1-related disorders. Identifiers: MedGen CN377807.
GM1 gangliosidosis. Identifiers: Orphanet 354, MedGen C0085131, MONDO:0018149.
Mucopolysaccharidosis, MPS-IV-B (MPS4B). Also called: MORQUIO SYNDROME B; Mucopolysaccharidosis Type IVB; Mucopolysaccharidosis type IVB (Morquio); MPS IVB; Mucopolysaccharidosis Type IVB (Morquio B Disease); Mucopolysaccharidosis type 4B. Identifiers: Orphanet 309310, Orphanet 582, MedGen C0086652, MONDO:0009660, OMIM 253010.
GM1 gangliosidosis type 3. Also called: GANGLIOSIDOSIS, GENERALIZED GM1, ADULT TYPE; GANGLIOSIDOSIS, GENERALIZED GM1, CHRONIC TYPE; GANGLIOSIDOSIS, GENERALIZED GM1, TYPE III; Gangliosidosis, Generalized GM1, Type 3; Beta-galactosidase deficiency; Adult GM1 gangliosidosis. Identifiers: Orphanet 79257, MedGen C0268273, MONDO:0009262, OMIM 230650.

Allele frequency attached by ClinVar (database versions not stated): TOPMed 0.00001; 1000 Genomes Project 0.00020; gnomAD 0.00001; gnomAD exomes 0.00001; 1000 Genomes Project 30x 0.00016.

Submissions (6):

Labcorp Genetics (formerly Invitae), Labcorp
Classification: Pathogenic for Mucopolysaccharidosis, MPS-IV-B; GM1 gangliosidosis. Last evaluated: 2026-01-30. Review status: criteria provided, single submitter. Criteria: Invitae Variant Classification Sherloc (09022015). Collection method: clinical testing. Allele origin: germline.
Comment: This sequence change replaces arginine, which is basic and polar, with glutamine, which is neutral and polar, at codon 457 of the GLB1 protein (p.Arg457Gln). This variant is present in population databases (rs28934886, gnomAD 0.003%). This missense change has been observed in individual(s) with GM1-gangliosidosis (PMID: 1907800, 16617000, 31761138). In at least one individual the data is consistent with being in trans (on the opposite chromosome) from a pathogenic variant. It has also been observed to segregate with disease in related individuals. This variant is also known as 1404G>A. ClinVar contains an entry for this variant (Variation ID: 930). Invitae Evidence Modeling of protein sequence and biophysical properties (such as structural, functional, and spatial information, amino acid conservation, physicochemical variation, residue mobility, and thermodynamic stability) indicates that this missense variant is expected to disrupt GLB1 protein function with a positive predictive value of 95%. Experimental studies have shown that this missense change affects GLB1 function (PMID: 1907800, 11504597). For these reasons, this variant has been classified as Pathogenic.

Natera, Inc.
Classification: Pathogenic for Mucopolysaccharidosis, MPS-IV-B. Last evaluated: 2026-01-22. Review status: criteria provided, single submitter. Criteria: Natera Variant Classification Schema (03/2026). Collection method: clinical testing. Allele origin: germline.
Comment: The c.1370G>A variant in GLB1 is a missense variant predicted to cause substitution of arginine to glutamine at amino acid 457. This variant is rare in the general population with a frequency below the threshold expected for the associated phenotype(s). This variant has been observed in one or more individuals affected with the associated recessive disease, as either homozygous or compound heterozygous with a second variant (PMID: 1907800, 31761138, 33737400, 16617000). Additionally, this variant has been observed to segregate in affected family members (PMID: 31761138). Functional studies show that this variant may disrupt protein function (PMID: 11504597, 21520340, 20826101). Computational prediction algorithms indicate this variant is likely to affect gene or protein function. Given the available evidence, this variant is classified as Pathogenic.

Women's Health and Genetics/Laboratory Corporation of America, LabCorp
Classification: Pathogenic for GM1 gangliosidosis. Last evaluated: 2025-12-16. Review status: criteria provided, single submitter. Criteria: LabCorp Variant Classification Summary - May 2015. Collection method: clinical testing. Allele origin: germline.
Comment: Variant summary: GLB1 c.1370G>A (p.Arg457Gln) results in a conservative amino acid change in the encoded protein sequence. Four of five in-silico tools predict a damaging effect of the variant on protein function. The variant allele was found at a frequency of 1.2e-05 in 249530 control chromosomes (gnomAD). c.1370G>A has been reported in the literature as a biallelic genotype in individuals affected with GM1 Gangliosidosis (e.g. Yoshida_1991, Iwasaki_2006, Arash-Kaps_2019). These data indicate that the variant is likely to be associated with disease. When transfected into GLB1-null cells, the variant protein showed greater than 150-fold reduction in beta-Galactosidase activity compared to wild-type (Yoshida_1991). ClinVar contains an entry for this variant (Variation ID: 930). Based on the evidence outlined above, the variant was classified as pathogenic.

Dasa
Classification: Likely pathogenic. Last evaluated: 2025-09-19. Review status: criteria provided, single submitter. Criteria: DASA Assertion Criteria. Collection method: clinical testing. Allele origin: germline.
Comment: NM_000404.4(GLB1):c.1370G>A (p.Arg457Gln) is a missense variant that results in the substitution of arginine with glutamine. Segregation data support an association with disease in the reported family/families (PMID: 1907800; PMID: 31761138; PMID: 21520340; PMID: 11504597). This variant has been recurrently observed in individuals with GLB1-related disorders (PMID: 1907800; PMID: 31761138; PMID: 21520340; PMID: 11504597). Functional evidence supports an impact on the gene or gene product (PMID: 1907800; PMID: 31761138; PMID: 21520340; PMID: 11504597). Also, this variant is rare in population databases. Computational evidence supports a deleterious effect. Based on the currently available evidence, this variant is classified as likely pathogenic.

Myriad Genetics, Inc.
Classification: Likely pathogenic for GLB1-related disorder. Last evaluated: 2021-11-16. Review status: criteria provided, single submitter. Criteria: Myriad Autosomal Dominant, Autosomal Recessive and X-Linked Classification Criteria (2023). Collection method: clinical testing. Allele origin: unknown.
Comment: NM_000404.2(GLB1):c.1370G>A(R457Q) is a missense variant classified as likely pathogenic in the context of GLB1-related disorders. R457Q has been observed in cases with relevant disease (PMID: 31761138, 1353343, 16617000). Functional assessments of this variant are available in the literature (PMID: 1907800, 16617000). R457Q has been observed in population frequency databases (gnomAD: SAS 0.02%). In summary, NM_000404.2(GLB1):c.1370G>A(R457Q) is a missense variant that has functional support for pathogenicity and has been observed more frequently in cases with the relevant disease than in healthy populations. Please note: this variant was assessed in the context of healthy population screening.

OMIM
Classification: Pathogenic for GM1-GANGLIOSIDOSIS, TYPE III. Last evaluated: 1991-08-01. Review status: no assertion criteria provided. Collection method: literature only. Allele origin: germline. Not counted in ClinVar's aggregate classification.

Literature cited by the submitters: PubMed 1907800 (cited by 6 submitters); PubMed 16617000 (cited by 4 submitters); PubMed 31761138 (cited by 5 submitters); PubMed 11504597 (cited by 3 submitters); PubMed 33737400 (cited by Natera, Inc.); PubMed 21520340 (cited by Natera, Inc. and Dasa); PubMed 20826101 (cited by Natera, Inc.); PubMed 1353343 (cited by Myriad Genetics, Inc.).

NM_000404.4(GLB1):c.1370G>A (p.Arg457Gln)

Gene: GLB1 (galactosidase beta 1; minus strand). Cytogenetic location: 3p22.3.
Variant type: single nucleotide variant.
Coding change: c.1370G>A on transcript NM_000404.4 (MANE Select); coding-DNA position 1370, G replaced by A.
Protein change: p.Arg457Gln; replaces arginine 457 with glutamine.
Molecular consequence: missense variant.
Genome position (GRCh38, 1-based): chr3:33,016,818, C>T on the plus strand (G>A on the coding strand, the complement: GLB1 is on the minus strand). VCF-style: chr3-33016818-C-T. GRCh37 (hg19) VCF-style: chr3-33058310-C-T.
Other names: c.1280G>A, p.Arg427Gln (NM_001079811.3); c.977G>A, p.Arg326Gln (NM_001135602.3); c.1514G>A, p.Arg505Gln (NM_001317040.2); c.1370G>A, p.Arg457Gln (NM_001393580.1); short protein forms R457Q, R427Q, R505Q, R326Q.
Identifiers: ClinVar variation 930 (VCV000000930.15), dbSNP rs28934886, ClinGen allele CA114640.